The following is an entry in ClinVar:

ClinVar aggregate classification (germline): Uncertain significance (1 of 4 stars; one submission).

Conditions:
Aniridia 1 (AN1). Identifiers: Orphanet 250923, MedGen C0344542, MONDO:0024507, OMIM 106210.
Irido-corneo-trabecular dysgenesis (ASGD5). Also called: ANTERIOR SEGMENT DYSGENESIS 5. Identifiers: Orphanet 708, MedGen C0344559, MONDO:0011414, OMIM 604229, HP:0000659.

gnomAD v4.1: 1 of 1,614,128 alleles (0.000062%); highest among the groups gnomAD compares: South Asian, 0.0011%; no homozygotes.

Submission:

Labcorp Genetics (formerly Invitae), Labcorp
Classification: Uncertain significance for Aniridia 1; Irido-corneo-trabecular dysgenesis. Last evaluated: 2025-03-17. Review status: criteria provided, single submitter. Criteria: Invitae Variant Classification Sherloc (09022015). Collection method: clinical testing. Allele origin: germline.
Comment: This sequence change replaces methionine, which is neutral and non-polar, with valine, which is neutral and non-polar, at codon 381 of the PAX6 protein (p.Met381Val). This variant is not present in population databases (gnomAD no frequency). This missense change has been observed in individual(s) with PAX6-related conditions (PMID: 12721955). Invitae Evidence Modeling of protein sequence and biophysical properties (such as structural, functional, and spatial information, amino acid conservation, physicochemical variation, residue mobility, and thermodynamic stability) indicates that this missense variant is not expected to disrupt PAX6 protein function with a negative predictive value of 95%. Experimental studies have shown that this missense change affects PAX6 function (PMID: 12721955). In summary, the available evidence is currently insufficient to determine the role of this variant in disease. Therefore, it has been classified as a Variant of Uncertain Significance.

Literature cited by the submitters: PubMed 12721955.

NM_001368894.2(PAX6):c.1183A>G (p.Met395Val)

Gene: PAX6 (paired box 6; minus strand). Cytogenetic location: 11p13.
Variant type: single nucleotide variant.
Coding change: c.1183A>G on transcript NM_001368894.2 (MANE Select); coding-DNA position 1183, A replaced by G.
Protein change: p.Met395Val; replaces methionine 395 with valine.
Molecular consequence: missense variant. On other transcripts: non-coding transcript variant (1), intron variant (9).
Genome position (GRCh38, 1-based): chr11:31,790,752, T>C on the plus strand (A>G on the coding strand, the complement: PAX6 is on the minus strand). VCF-style: chr11-31790752-T-C. GRCh37 (hg19) VCF-style: chr11-31812300-T-C.
Other names: c.1141A>G, p.Met381Val (NM_000280.6, NM_001127612.3, NM_001258464.2 and 6 more transcripts); c.1183A>G, p.Met395Val (NM_001258462.3, NM_001258463.2, NM_001310158.2 and 3 more transcripts); c.733A>G, p.Met245Val (NM_001310160.2, NM_001310161.3, NM_001368899.2 and 10 more transcripts); c.1384A>G, p.Met462Val (NM_001368910.2); c.1258A>G, p.Met420Val (NM_001368918.2, NM_001368919.2); c.1216A>G, p.Met406Val (NM_001368920.2); c.982A>G, p.Met328Val (NM_001368922.2, NM_001368923.2, NM_001368924.2 and 3 more transcripts); c.940A>G, p.Met314Val (NM_001368928.2); and 6 more; short protein forms M180V, M381V, M395V, M420V, M462V, M406V, M245V, M314V.
Identifiers: ClinVar variation 4783717 (VCV004783717.1).